The following is an entry in ClinVar:

NM_001128840.3(CACNA1D):c.253C>T (p.Arg85Cys)

Gene: CACNA1D (calcium voltage-gated channel subunit alpha1 D; plus strand). Cytogenetic location: 3p21.1.
Variant type: single nucleotide variant.
Coding change: c.253C>T on transcript NM_001128840.3 (MANE Select); coding-DNA position 253, C replaced by T.
Protein change: p.Arg85Cys; replaces arginine 85 with cysteine.
Molecular consequence: missense variant.
Genome position (GRCh38, 1-based): chr3:53,497,337, C>T. VCF-style: chr3-53497337-C-T. GRCh37 (hg19) VCF-style: chr3-53531364-C-T.
Other names: c.253C>T, p.Arg85Cys (NM_000720.4, NM_001128839.3); c.253C>T (NM_000720.2); short protein forms R85C.
Identifiers: ClinVar variation 1943056 (VCV001943056.6), dbSNP rs914971602, ClinGen allele CA75053233.

ClinVar aggregate classification (germline): Uncertain significance. Review status: criteria provided, multiple submitters, no conflicts (2 of 4 stars). 2 submissions from 2 submitters: Uncertain significance (2). Last evaluated 2025-05-02.

Allele frequency attached by ClinVar (database versions not stated): gnomAD exomes below 0.00001.
gnomAD v4.1: 6 of 1,614,140 alleles (0.00037%); highest among the groups gnomAD compares: South Asian, 0.0011%; no homozygotes.

Submissions (2):

GeneDx
Classification: Uncertain significance. Last evaluated: 2025-05-02. Review status: criteria provided, single submitter. Criteria: GeneDx Variant Classification Process June 2021. Collection method: clinical testing. Allele origin: germline. Affected: yes.
Comment: In silico analysis supports that this missense variant has a deleterious effect on protein structure/function; Has not been previously published as pathogenic or benign to our knowledge

Labcorp Genetics (formerly Invitae), Labcorp
Classification: Uncertain significance. Last evaluated: 2022-10-24. Review status: criteria provided, single submitter. Criteria: Invitae Variant Classification Sherloc (09022015). Collection method: clinical testing. Allele origin: germline.
Comment: This variant has not been reported in the literature in individuals affected with CACNA1D-related conditions. In summary, the available evidence is currently insufficient to determine the role of this variant in disease. Therefore, it has been classified as a Variant of Uncertain Significance. Algorithms developed to predict the effect of missense changes on protein structure and function are either unavailable or do not agree on the potential impact of this missense change (SIFT: "Deleterious"; PolyPhen-2: "Probably Damaging"; Align-GVGD: "Class C0"). This variant is present in population databases (no rsID available, gnomAD 0.003%). This sequence change replaces arginine, which is basic and polar, with cysteine, which is neutral and slightly polar, at codon 85 of the CACNA1D protein (p.Arg85Cys).